The following is an entry in ClinVar:

ClinVar aggregate classification (germline): Uncertain significance. Review status: criteria provided, multiple submitters, no conflicts (2 of 4 stars). 3 submissions from 3 submitters: Uncertain significance (3). Last evaluated 2025-06-26.

Conditions:
Inborn genetic diseases. Identifiers: MedGen C0950123, MeSH D030342.
Nephrotic syndrome, type 3 (NPHS3). Also called: NEPHROTIC SYNDROME, EARLY-ONSET, TYPE 3. Identifiers: Orphanet 656, MedGen C1853124, MONDO:0012546, OMIM 610725.

Allele frequency attached by ClinVar (database versions not stated): ExAC 0.00007.
gnomAD v4.1: 32 of 1,610,060 alleles (0.002%); highest among the groups gnomAD compares: South Asian, 0.032%; no homozygotes.

Submissions (3):

Ambry Genetics
Classification: Uncertain significance for Inborn genetic diseases. Last evaluated: 2025-06-26. Review status: criteria provided, single submitter. Criteria: Ambry Variant Classification Scheme 2023. Collection method: clinical testing. Allele origin: germline.
Comment: The c.4917+3G>A intronic alteration consists of a G to A substitution 3 nucleotides after exon 21 (coding exon 20) of the PLCE1 gene. Based on insufficient or conflicting evidence, the clinical significance of this alteration remains unclear.

Fulgent Genetics
Classification: Uncertain significance for Nephrotic syndrome, type 3. Last evaluated: 2024-05-07. Review status: criteria provided, single submitter. Criteria: ACMG Guidelines, 2015. Collection method: clinical testing. Allele origin: germline.

Labcorp Genetics (formerly Invitae), Labcorp
Classification: Uncertain significance. Last evaluated: 2022-07-06. Review status: criteria provided, single submitter. Criteria: Invitae Variant Classification Sherloc (09022015). Collection method: clinical testing. Allele origin: germline.
Comment: This sequence change falls in intron 21 of the PLCE1 gene. It does not directly change the encoded amino acid sequence of the PLCE1 protein. It affects a nucleotide within the consensus splice site. This variant is present in population databases (rs756248824, gnomAD 0.05%). This variant has not been reported in the literature in individuals affected with PLCE1-related conditions. Variants that disrupt the consensus splice site are a relatively common cause of aberrant splicing (PMID: 17576681, 9536098). Algorithms developed to predict the effect of sequence changes on RNA splicing suggest that this variant is not likely to affect RNA splicing. In summary, the available evidence is currently insufficient to determine the role of this variant in disease. Therefore, it has been classified as a Variant of Uncertain Significance.

Literature cited by the submitters: PubMed 17576681 (cited by Labcorp Genetics (formerly Invitae), Labcorp); PubMed 9536098 (cited by Labcorp Genetics (formerly Invitae), Labcorp).

NM_016341.4(PLCE1):c.4917+3G>A

Genes: PLCE1 (phospholipase C epsilon 1; plus strand), PLCE1-AS1 (PLCE1 antisense RNA 1; minus strand). Cytogenetic location: 10q23.33.
Variant type: single nucleotide variant.
Coding change: c.4917+3G>A on transcript NM_016341.4 (MANE Select); 3 bases into the intron after coding-DNA position 4917, G replaced by A.
Molecular consequence: intron variant.
Genome position (GRCh38, 1-based): chr10:94,283,914, G>A. VCF-style: chr10-94283914-G-A. GRCh37 (hg19) VCF-style: chr10-96043671-G-A.
Other names: c.4917+3G>A (NM_016341.3); c.4869+3G>A (NM_001288989.2); c.3993+3G>A (NM_001165979.2).
Identifiers: ClinVar variation 2178697 (VCV002178697.5), dbSNP rs756248824, ClinGen allele CA5613245.